The following is an entry in ClinVar:

NM_024757.5(EHMT1):c.3136G>A (p.Val1046Met)

Gene: EHMT1 (euchromatic histone lysine methyltransferase 1; plus strand). Cytogenetic location: 9q34.3.
Variant type: single nucleotide variant.
Coding change: c.3136G>A on transcript NM_024757.5 (MANE Select); coding-DNA position 3136, G replaced by A.
Protein change: p.Val1046Met; replaces valine 1046 with methionine.
Molecular consequence: missense variant.
Genome position (GRCh38, 1-based): chr9:137,813,486, G>A. VCF-style: chr9-137813486-G-A. GRCh37 (hg19) VCF-style: chr9-140707938-G-A.
Other names: c.3115G>A, p.Val1039Met (NM_001354263.2); short protein forms V1039M, V1046M.
Identifiers: ClinVar variation 2579527 (VCV002579527.1), dbSNP rs1954661324, ClinGen allele CA375794405.

ClinVar aggregate classification (germline): Uncertain significance (1 of 4 stars; one submission).

Allele frequency attached by ClinVar (database versions not stated): gnomAD exomes below 0.00001.
gnomAD v4.1: 5 of 1,614,042 alleles (0.00031%); highest among the groups gnomAD compares: Non-Finnish European, 0.00042%; no homozygotes.

Submission:

GeneDx
Classification: Uncertain significance. Last evaluated: 2023-09-07. Review status: criteria provided, single submitter. Criteria: GeneDx Variant Classification Process June 2021. Collection method: clinical testing. Allele origin: germline. Affected: yes.
Comment: Not observed at significant frequency in large population cohorts (gnomAD); In silico analysis supports that this missense variant does not alter protein structure/function; Has not been previously published as pathogenic or benign to our knowledge